The following is an entry in ClinVar:

NM_004385.5(VCAN):c.8485C>G (p.Leu2829Val)

Genes: VCAN (versican; plus strand), VCAN-AS1 (VCAN antisense RNA 1; minus strand). Cytogenetic location: 5q14.3.
Variant type: single nucleotide variant.
Coding change: c.8485C>G on transcript NM_004385.5 (MANE Select); coding-DNA position 8485, C replaced by G.
Protein change: p.Leu2829Val; replaces leucine 2829 with valine.
Molecular consequence: missense variant. On other transcripts: intron variant (2).
Genome position (GRCh38, 1-based): chr5:83,541,488, C>G. VCF-style: chr5-83541488-C-G. GRCh37 (hg19) VCF-style: chr5-82837307-C-G.
Other names: c.5524C>G, p.Leu1842Val (NM_001164097.2); c.4004-4049C>G (NM_001164098.2); c.1043-4049C>G (NM_001126336.3); short protein forms L1842V, L2829V.
Identifiers: ClinVar variation 3001947 (VCV003001947.3), dbSNP rs775247871, ClinGen allele CA360293493.
Genomic context (GRCh38, chr5:83,541,488, plus strand): 5'-GATACAACATTAGCAGTTTCAACATTTGCGAAGTTGTCTTCTCAGACACCATCATCTCCC[C>G]TCACTATCTACTCAGGCAGTGAAGCCTCTGGACACACAGAGATCCCCCAGCCCAGTGCTC-3'
Protein context (NP_004376.2, residues 2819-2839): KLSSQTPSSP[Leu2829Val]TIYSGSEASG

ClinVar aggregate classification (germline): Uncertain significance (1 of 4 stars; one submission).

gnomAD v4.1: 7 of 1,614,066 alleles (0.00043%); highest among the groups gnomAD compares: Non-Finnish European, 0.00042%; no homozygotes.

Submission:

Labcorp Genetics (formerly Invitae), Labcorp
Classification: Uncertain significance. Last evaluated: 2022-11-10. Review status: criteria provided, single submitter. Criteria: Invitae Variant Classification Sherloc (09022015). Collection method: clinical testing. Allele origin: germline.
Comment: This variant has not been reported in the literature in individuals affected with VCAN-related conditions. This variant is not present in population databases (gnomAD no frequency). This sequence change replaces leucine, which is neutral and non-polar, with valine, which is neutral and non-polar, at codon 2829 of the VCAN protein (p.Leu2829Val). In summary, the available evidence is currently insufficient to determine the role of this variant in disease. Therefore, it has been classified as a Variant of Uncertain Significance. Algorithms developed to predict the effect of missense changes on protein structure and function output the following: SIFT: "Tolerated"; PolyPhen-2: "Benign"; Align-GVGD: "Class C0". The valine amino acid residue is found in multiple mammalian species, which suggests that this missense change does not adversely affect protein function.